The following is an entry in ClinVar:

ClinVar aggregate classification (germline): Uncertain significance. Review status: criteria provided, multiple submitters, no conflicts (2 of 4 stars). 7 submissions from 7 submitters: Uncertain significance (7). Last evaluated 2026-02-19.

Conditions:
TGFBR2-related disorder. Also called: TGFBR2-related condition.
Familial thoracic aortic aneurysm and aortic dissection (TAAD). Also called: Thoracic aortic aneurysms and dissections. Identifiers: Orphanet 91387, MedGen C4707243, MONDO:0019625.
Loeys-Dietz syndrome 2 (LDS2). Also called: TGFBR2-Related Loeys-Dietz Syndrome; AORTIC ANEURYSM, FAMILIAL THORACIC 3; MARFAN SYNDROME, TYPE II; Marfan Syndrome type 2; Marfan like connective tissue disorder; MFS 2. Identifiers: Orphanet 284973, Orphanet 558, MedGen C2674574, MONDO:0012427, OMIM 610168.

Allele frequency attached by ClinVar (database versions not stated): gnomAD 0.00001; ExAC 0.00002; gnomAD exomes 0.00002; TOPMed 0.00002; ESP Exome Variant Server 0.00008.
gnomAD v4.1: 30 of 1,614,080 alleles (0.0019%); highest among the groups gnomAD compares: Non-Finnish European, 0.0025%; no homozygotes.

Submissions (7):

Ambry Genetics
Classification: Uncertain significance for Familial thoracic aortic aneurysm and aortic dissection. Last evaluated: 2026-02-19. Review status: criteria provided, single submitter. Criteria: Ambry Variant Classification Scheme 2023. Collection method: clinical testing. Allele origin: germline.
Comment: The p.F186I variant (also known as c.556T>A), located in coding exon 4 of the TGFBR2 gene, results from a T to A substitution at nucleotide position 556. The phenylalanine at codon 186 is replaced by isoleucine, an amino acid with highly similar properties. This amino acid position is conserved. In addition, this alteration is predicted to be deleterious by in silico analysis. Based on the available evidence, the clinical significance of this variant remains unclear.

PreventionGenetics, part of Exact Sciences
Classification: Uncertain significance for TGFBR2-related condition. Last evaluated: 2026-02-16. Review status: criteria provided, single submitter. Criteria: ACMG Guidelines, 2015. Collection method: clinical testing. Allele origin: germline.
Comment: The TGFBR2 c.556T>A variant is predicted to result in the amino acid substitution p.Phe186Ile. To our knowledge, this variant has not been reported in the literature. This variant is reported in 0.0065% of alleles in individuals of European (Non-Finnish) descent in gnomAD. At this time, the clinical significance of this variant is uncertain due to the absence of conclusive functional and genetic evidence.

Labcorp Genetics (formerly Invitae), Labcorp
Classification: Uncertain significance for Familial thoracic aortic aneurysm and aortic dissection. Last evaluated: 2026-01-21. Review status: criteria provided, single submitter. Criteria: Invitae Variant Classification Sherloc (09022015). Collection method: clinical testing. Allele origin: germline.
Comment: This sequence change replaces phenylalanine, which is neutral and non-polar, with isoleucine, which is neutral and non-polar, at codon 186 of the TGFBR2 protein (p.Phe186Ile). This variant is present in population databases (rs368346624, gnomAD 0.002%). This variant has not been reported in the literature in individuals affected with TGFBR2-related conditions. ClinVar contains an entry for this variant (Variation ID: 408439). Invitae Evidence Modeling incorporating data from in vitro experimental studies (internal data) indicates that this missense variant is not expected to disrupt TGFBR2 function with a negative predictive value of 95%. In summary, the available evidence is currently insufficient to determine the role of this variant in disease. Therefore, it has been classified as a Variant of Uncertain Significance.

Color Diagnostics, LLC DBA Color Health
Classification: Uncertain significance for Familial thoracic aortic aneurysm and aortic dissection. Last evaluated: 2024-03-06. Review status: criteria provided, single submitter. Criteria: ACMG Guidelines, 2015. Collection method: clinical testing. Allele origin: germline.
Comment: This missense variant replaces phenylalanine with isoleucine at codon 186 of the TGFBR2 protein. Computational prediction suggests that this variant may have deleterious impact on protein structure and function (internally defined REVEL score threshold >= 0.7, PMID: 27666373). To our knowledge, functional studies have not been reported for this variant. This variant has not been reported in individuals affected with cardiovascular disorders in the literature. This variant has been identified in 1/31404 chromosomes in the general population by the Genome Aggregation Database (gnomAD). The available evidence is insufficient to determine the role of this variant in disease conclusively. Therefore, this variant is classified as a Variant of Uncertain Significance.

All of Us Research Program, National Institutes of Health
Classification: Uncertain significance for Loeys-Dietz syndrome 2. Last evaluated: 2024-03-05. Review status: criteria provided, single submitter. Criteria: ACMG Guidelines, 2015. Collection method: clinical testing. Allele origin: germline. Inheritance: Autosomal dominant inheritance. Observed: 2 variant alleles, 2 heterozygotes.
Comment: This missense variant replaces phenylalanine with isoleucine at codon 186 of the TGFBR2 protein. Computational prediction suggests that this variant may have deleterious impact on protein structure and function (internally defined REVEL score threshold >= 0.7, PMID: 27666373). To our knowledge, functional studies have not been reported for this variant. This variant has not been reported in individuals affected with cardiovascular disorders in the literature. This variant has been identified in 1/31404 chromosomes in the general population by the Genome Aggregation Database (gnomAD). The available evidence is insufficient to determine the role of this variant in disease conclusively. Therefore, this variant is classified as a Variant of Uncertain Significance.

This study involves interpretation of variants in research participants for the purpose of population health screening. Participant phenotype was not available at the time of variant classification. Additional details can be found in publication PMID: 35346344, PMCID: PMC8962531

Mayo Clinic Laboratories, Mayo Clinic
Classification: Uncertain significance. Last evaluated: 2024-02-15. Review status: criteria provided, single submitter. Criteria: ACMG Guidelines, 2015. Collection method: clinical testing. Allele origin: germline. Observed: 1 variant allele.
Comment: PM2

GeneDx
Classification: Uncertain significance. Last evaluated: 2021-11-19. Review status: criteria provided, single submitter. Criteria: GeneDx Variant Classification Process June 2021. Collection method: clinical testing. Allele origin: germline. Affected: yes.
Comment: Has not been previously published as pathogenic or benign to our knowledge; Not observed at significant frequency in large population cohorts (Lek et al., 2016); In silico analysis supports that this missense variant has a deleterious effect on protein structure/function; Reported in ClinVar as a variant of uncertain significance (ClinVar Variant ID# 408439; Landrum et al., 2016); This variant is associated with the following publications: (PMID: 26582918)

NM_003242.6(TGFBR2):c.556T>A (p.Phe186Ile)

Gene: TGFBR2 (transforming growth factor beta receptor 2; plus strand). Cytogenetic location: 3p24.1.
Variant type: single nucleotide variant.
Coding change: c.556T>A on transcript NM_003242.6 (MANE Select); coding-DNA position 556, T replaced by A.
Protein change: p.Phe186Ile; replaces phenylalanine 186 with isoleucine.
Molecular consequence: missense variant.
Genome position (GRCh38, 1-based): chr3:30,671,739, T>A. VCF-style: chr3-30671739-T-A. GRCh37 (hg19) VCF-style: chr3-30713231-T-A.
Other names: p.Phe186Ile; c.631T>A, p.Phe211Ile (NM_001024847.3); c.739T>A, p.Phe247Ile (NM_001407126.1); c.664T>A, p.Phe222Ile (NM_001407127.1); c.583T>A, p.Phe195Ile (NM_001407128.1); c.559T>A, p.Phe187Ile (NM_001407129.1); c.556T>A, p.Phe186Ile (NM_001407130.1); c.451T>A, p.Phe151Ile (NM_001407132.1, NM_001407133.1, NM_001407134.1 and 2 more transcripts); and 2 more; short protein forms F211I, F186I, F187I, F222I, F91I, F66I, F247I, F151I.
Identifiers: ClinVar variation 408439 (VCV000408439.16), dbSNP rs368346624, ClinGen allele CA049238.